The following is an entry in ClinVar:

NM_007078.3(LDB3):c.1505C>T (p.Pro502Leu)

Gene: LDB3 (LIM domain binding 3; plus strand). Cytogenetic location: 10q23.2.
Variant type: single nucleotide variant.
Coding change: c.1505C>T on transcript NM_007078.3 (MANE Select); coding-DNA position 1505, C replaced by T.
Protein change: p.Pro502Leu; replaces proline 502 with leucine.
Molecular consequence: missense variant.
Genome position (GRCh38, 1-based): chr10:86,716,600, C>T. VCF-style: chr10-86716600-C-T. GRCh37 (hg19) VCF-style: chr10-88476357-C-T.
Other names: c.1505C>T (LRG_385t1); c.1175C>T, p.Pro392Leu (NM_001080114.2); c.1520C>T, p.Pro507Leu (NM_001171610.2); c.1316C>T, p.Pro439Leu (NM_001368064.1, NM_001368065.1); c.1364C>T, p.Pro455Leu (NM_001368066.1); short protein forms P439L, P455L, P507L, P392L, P502L.
Identifiers: ClinVar variation 639660 (VCV000639660.8), dbSNP rs528611881, ClinGen allele CA5585172.
Genomic context (GRCh38, chr10:86,716,600, plus strand): 5'-CGGAGCCTGCCAGCCGTCCACCCTGGGTGACAGATGATAGCTTCTCCCAGAAGTTTGCCC[C>T]GGGCAAGAGCACCACCTCCATCAGCAAGCAGACCCTGCCCCGGGGAGGCCCAGCCTACAC-3'
Protein context (NP_009009.1, residues 492-512): TDDSFSQKFA[Pro502Leu]GKSTTSISKQ

ClinVar aggregate classification (germline): Uncertain significance. Review status: criteria provided, multiple submitters, no conflicts (2 of 4 stars). 2 submissions from 2 submitters: Uncertain significance (2). Last evaluated 2026-03-03.

Conditions:
Myofibrillar myopathy 4. Also called: Zaspopathy (type). Identifiers: Orphanet 98912, MedGen C4721886, MONDO:0012277, OMIM 609452.

Allele frequency attached by ClinVar (database versions not stated): TOPMed 0.00001; gnomAD exomes below 0.00001; ExAC 0.00001; gnomAD 0.00001.

Submissions (2):

GeneDx
Classification: Uncertain significance. Last evaluated: 2026-03-03. Review status: criteria provided, single submitter. Criteria: GeneDx Variant Classification Process June 2021. Collection method: clinical testing. Allele origin: germline.
Comment: Not observed at significant frequency in large population cohorts (gnomAD); In silico analysis supports that this missense variant has a deleterious effect on protein structure/function; Has not been previously published as pathogenic or benign to our knowledge; Reported using an alternate transcript of the gene

Labcorp Genetics (formerly Invitae), Labcorp
Classification: Uncertain significance for Myofibrillar myopathy 4. Last evaluated: 2018-12-10. Review status: criteria provided, single submitter. Criteria: Invitae Variant Classification Sherloc (09022015). Collection method: clinical testing. Allele origin: germline.
Comment: In summary, the available evidence is currently insufficient to determine the role of this variant in disease. Therefore, it has been classified as a Variant of Uncertain Significance. Algorithms developed to predict the effect of missense changes on protein structure and function (SIFT, PolyPhen-2, Align-GVGD) all suggest that this variant is likely to be disruptive, but these predictions have not been confirmed by published functional studies and their clinical significance is uncertain. This variant has not been reported in the literature in individuals with LDB3-related disease. This variant is present in population databases (rs528611881, ExAC 0.002%). This sequence change replaces proline with leucine at codon 502 of the LDB3 protein (p.Pro502Leu). The proline residue is highly conserved and there is a moderate physicochemical difference between proline and leucine. The LDB3 gene has multiple clinically relevant transcripts. The p.Pro502Leu variant occurs in alternate transcript NM_007078.2, which corresponds to position c.*17226C>T in NM_001080116.1, the primary transcript listed in the Methods.